The following is an entry in ClinVar:

ClinVar aggregate classification (germline): Uncertain significance. Review status: criteria provided, multiple submitters, no conflicts (2 of 4 stars). 2 submissions from 2 submitters: Uncertain significance (2). Last evaluated 2024-09-12.

Allele frequency attached by ClinVar (database versions not stated): ExAC 0.00003; gnomAD exomes 0.00003; TOPMed 0.00003; gnomAD 0.00005.
gnomAD v4.1: 57 of 1,613,510 alleles (0.0035%); highest among the groups gnomAD compares: Non-Finnish European, 0.0045%; no homozygotes.

Submissions (2):

Blueprint Genetics
Classification: Uncertain significance. Last evaluated: 2024-09-12. Review status: criteria provided, single submitter. Criteria: ACMG Guidelines, 2015. Collection method: clinical testing. Allele origin: germline.

Labcorp Genetics (formerly Invitae), Labcorp
Classification: Uncertain significance. Last evaluated: 2022-05-05. Review status: criteria provided, single submitter. Criteria: Invitae Variant Classification Sherloc (09022015). Collection method: clinical testing. Allele origin: germline.
Comment: This sequence change replaces glutamine, which is neutral and polar, with histidine, which is basic and polar, at codon 531 of the IFT81 protein (p.Gln531His). This variant is present in population databases (rs751108244, gnomAD 0.005%). This variant has not been reported in the literature in individuals affected with IFT81-related conditions. Algorithms developed to predict the effect of missense changes on protein structure and function (SIFT, PolyPhen-2, Align-GVGD) all suggest that this variant is likely to be tolerated. In summary, the available evidence is currently insufficient to determine the role of this variant in disease. Therefore, it has been classified as a Variant of Uncertain Significance.

NM_014055.4(IFT81):c.1593G>C (p.Gln531His)

Gene: IFT81 (intraflagellar transport 81; plus strand). Cytogenetic location: 12q24.11.
Variant type: single nucleotide variant.
Coding change: c.1593G>C on transcript NM_014055.4 (MANE Select); coding-DNA position 1593, G replaced by C.
Protein change: p.Gln531His; replaces glutamine 531 with histidine.
Molecular consequence: missense variant. On other transcripts: non-coding transcript variant (4).
Genome position (GRCh38, 1-based): chr12:110,203,899, G>C. VCF-style: chr12-110203899-G-C. GRCh37 (hg19) VCF-style: chr12-110641704-G-C.
Other names: c.1593G>C, p.Gln531His (NM_001143779.2); c.663G>C, p.Gln221His (NM_001347947.2, NM_001347948.2); short protein forms Q221H, Q531H.
Identifiers: ClinVar variation 1918693 (VCV001918693.3), dbSNP rs751108244, ClinGen allele CA6783409.